The following is an entry in ClinVar:

ClinVar aggregate classification (germline): Likely pathogenic. Review status: criteria provided, single submitter (1 of 4 stars). 2 submissions from 2 submitters: Likely pathogenic (1). 1 of the submissions does not count toward it. Last evaluated 2025-08-26.

Conditions:
Schneckenbecken dysplasia. Identifiers: Orphanet 3144, MedGen C0432194, MONDO:0010013, OMIM 269250.

Allele frequency attached by ClinVar (database versions not stated): gnomAD 0.00001; gnomAD exomes 0.00001; TOPMed 0.00001; ExAC 0.00002.
gnomAD v4.1: 5 of 1,514,496 alleles (0.00033%); highest among the groups gnomAD compares: Non-Finnish European, 0.00046%; no homozygotes.

Submissions (2):

Labcorp Genetics (formerly Invitae), Labcorp
Classification: Likely pathogenic for Schneckenbecken dysplasia. Last evaluated: 2025-08-26. Review status: criteria provided, single submitter. Criteria: Invitae Variant Classification Sherloc (09022015). Collection method: clinical testing. Allele origin: germline.
Comment: This sequence change creates a premature translational stop signal (p.Trp311*) in the SLC35D1 gene. While this is not anticipated to result in nonsense mediated decay, it is expected to disrupt the last 45 amino acid(s) of the SLC35D1 protein. This variant is present in population databases (rs137853111, gnomAD 0.002%). This premature translational stop signal has been observed in individual(s) with typical schneckenbecken dysplasia (PMID: 17952091). In at least one individual the data is consistent with being in trans (on the opposite chromosome) from a pathogenic variant. ClinVar contains an entry for this variant (Variation ID: 1124). Algorithms developed to predict the effect of variants on gene product structure and function are not available or were not evaluated for this variant. Experimental studies have shown that this premature translational stop signal affects SLC35D1 function (PMID: 17952091). Algorithms developed to predict the effect of sequence changes on RNA splicing suggest that this variant may disrupt the consensus splice site. In summary, the currently available evidence indicates that the variant is pathogenic, but additional data are needed to prove that conclusively. Therefore, this variant has been classified as Likely Pathogenic.

OMIM
Classification: Pathogenic for SCHNECKENBECKEN DYSPLASIA. Last evaluated: 2007-11-01. Review status: no assertion criteria provided. Collection method: literature only. Allele origin: germline. Not counted in ClinVar's aggregate classification.

Literature cited by the submitters: PubMed 17952091 (cited by Labcorp Genetics (formerly Invitae), Labcorp and OMIM).

NM_015139.3(SLC35D1):c.932G>A (p.Trp311Ter)

Gene: SLC35D1 (solute carrier family 35 member D1; minus strand). Cytogenetic location: 1p31.3.
Variant type: single nucleotide variant.
Coding change: c.932G>A on transcript NM_015139.3 (MANE Select); coding-DNA position 932, G replaced by A.
Protein change: p.Trp311Ter; replaces tryptophan 311 with a stop codon.
Molecular consequence: nonsense.
Genome position (GRCh38, 1-based): chr1:67,009,112, C>T on the plus strand (G>A on the coding strand, the complement: SLC35D1 is on the minus strand). VCF-style: chr1-67009112-C-T. GRCh37 (hg19) VCF-style: chr1-67474795-C-T.
Other names: short protein forms W311*.
Identifiers: ClinVar variation 1124 (VCV000001124.2), dbSNP rs137853111, ClinGen allele CA114776.